The following is an entry in ClinVar:

ClinVar aggregate classification (germline): Uncertain significance (1 of 4 stars; one submission).

Conditions:
Inborn genetic diseases. Identifiers: MedGen C0950123, MeSH D030342.

gnomAD v4.1: 8 of 1,614,234 alleles (0.0005%); highest among the groups gnomAD compares: South Asian, 0.0022%; no homozygotes.

Submission:

Ambry Genetics
Classification: Uncertain significance for Inborn genetic diseases. Last evaluated: 2025-04-18. Review status: criteria provided, single submitter. Criteria: Ambry Variant Classification Scheme 2023. Collection method: clinical testing. Allele origin: germline.
Comment: The p.S1269L variant (also known as c.3806C>T), located in coding exon 13 of the ASXL1 gene, results from a C to T substitution at nucleotide position 3806. The serine at codon 1269 is replaced by leucine, an amino acid with dissimilar properties. This amino acid position is conserved. In addition, this alteration is predicted to be tolerated by in silico analysis. Based on the available evidence, the clinical significance of this variant remains unclear.

NM_015338.6(ASXL1):c.3806C>T (p.Ser1269Leu)

Gene: ASXL1 (ASXL transcriptional regulator 1; plus strand). Cytogenetic location: 20q11.21.
Variant type: single nucleotide variant.
Coding change: c.3806C>T on transcript NM_015338.6 (MANE Select); coding-DNA position 3806, C replaced by T.
Protein change: p.Ser1269Leu; replaces serine 1269 with leucine.
Molecular consequence: missense variant.
Genome position (GRCh38, 1-based): chr20:32,436,518, C>T. VCF-style: chr20-32436518-C-T. GRCh37 (hg19) VCF-style: chr20-31024321-C-T.
Other names: c.3623C>T, p.Ser1208Leu (NM_001363734.1); short protein forms S1269L, S1208L.
Identifiers: ClinVar variation 3956277 (VCV003956277.1).